The following is an entry in ClinVar:

NM_020928.2(ZSWIM6):c.312_315delinsTGTT (p.Pro104_Val105=)

Gene: ZSWIM6 (zinc finger SWIM-type containing 6; plus strand). Cytogenetic location: 5q12.1.
Variant type: Indel.
Coding change: c.312_315delinsTGTT on transcript NM_020928.2 (MANE Select); coding-DNA positions 312 to 315, GGTG replaced by TGTT.
Protein change: p.Pro104_Val105=.
Molecular consequence: synonymous variant.
Genome position (GRCh38, 1-based): chr5:61,332,584-61,332,587, GGTG replaced by TGTT. VCF-style: chr5-61332584-GGTG-TGTT. GRCh37 (hg19) VCF-style: chr5-60628411-GGTG-TGTT.
Identifiers: ClinVar variation 1691011 (VCV001691011.2), dbSNP rs2112012600, ClinGen allele CA2573139761.

ClinVar aggregate classification (germline): Uncertain significance (1 of 4 stars; one submission).

Submission:

Laboratorio de Genetica e Diagnostico Molecular, Hospital Israelita Albert Einstein
Classification: Uncertain significance. Last evaluated: 2021-03-31. Review status: criteria provided, single submitter. Criteria: ACMG Guidelines, 2015. Collection method: clinical testing. Allele origin: germline. Affected: yes.
Comment: ACMG classification criteria: PM2